The following is an entry in ClinVar:

NM_001330691.3(CEP78):c.966G>A (p.Trp322Ter)

Gene: CEP78 (centrosomal protein 78; plus strand). Cytogenetic location: 9q21.2.
Variant type: single nucleotide variant.
Coding change: c.966G>A on transcript NM_001330691.3 (MANE Select); coding-DNA position 966, G replaced by A.
Protein change: p.Trp322Ter; replaces tryptophan 322 with a stop codon.
Molecular consequence: nonsense.
Genome position (GRCh38, 1-based): chr9:78,248,770, G>A. VCF-style: chr9-78248770-G-A. GRCh37 (hg19) VCF-style: chr9-80863686-G-A.
Other names: c.966G>A, p.Trp322Ter (NM_001098802.3, NM_001330693.3, NM_001330694.2 and 4 more transcripts); short protein forms W322*.
Identifiers: ClinVar variation 1184922 (VCV001184922.11), dbSNP rs1322721879, ClinGen allele CA373857594.

ClinVar aggregate classification (germline): Pathogenic/Likely pathogenic. Review status: criteria provided, multiple submitters, no conflicts (2 of 4 stars). 4 submissions from 4 submitters: Pathogenic (2); Likely pathogenic (2). Last evaluated 2025-12-14.

Conditions:
CEP78-related disorder. Also called: CEP78-related condition.

Allele frequency attached by ClinVar (database versions not stated): gnomAD exomes below 0.00001; TOPMed below 0.00001; gnomAD 0.00001.
gnomAD v4.1: 3 of 1,555,518 alleles (0.00019%); highest among the groups gnomAD compares: Non-Finnish European, 0.00026%; no homozygotes.

Submissions (4):

Labcorp Genetics (formerly Invitae), Labcorp
Classification: Pathogenic. Last evaluated: 2025-12-14. Review status: criteria provided, single submitter. Criteria: Invitae Variant Classification Sherloc (09022015). Collection method: clinical testing. Allele origin: germline.
Comment: This sequence change creates a premature translational stop signal (p.Trp322*) in the CEP78 gene. It is expected to result in an absent or disrupted protein product. Loss-of-function variants in CEP78 are known to be pathogenic (PMID: 27588451, 27588452, 32531858, 33879512, 34223797, 35240912, 37734845, 38780195). The frequency data for this variant in the population databases is considered unreliable, as metrics indicate poor data quality at this position in the gnomAD database. This variant has not been reported in the literature in individuals affected with CEP78-related conditions. ClinVar contains an entry for this variant (Variation ID: 1184922). For these reasons, this variant has been classified as Pathogenic.

Blueprint Genetics
Classification: Pathogenic for CEP78-related disorders. Last evaluated: 2022-01-18. Review status: criteria provided, single submitter. Criteria: ACMG Guidelines, 2015. Collection method: clinical testing. Allele origin: germline. Affected: yes. Observed: 1 variant allele.

Institute of Medical Genetics and Applied Genomics, University Hospital Tübingen
Classification: Likely pathogenic. Last evaluated: 2021-06-17. Review status: criteria provided, single submitter. Criteria: ACMG Guidelines, 2015. Collection method: clinical testing. Allele origin: germline. Inheritance: Autosomal recessive inheritance. Affected: yes.

GeneDx
Classification: Likely pathogenic. Last evaluated: 2021-02-20. Review status: criteria provided, single submitter. Criteria: GeneDx Variant Classification Process June 2021. Collection method: clinical testing. Allele origin: germline. Affected: yes.
Comment: Nonsense variant predicted to result in protein truncation or nonsense mediated decay in a gene for which loss-of-function is a known mechanism of disease; Has not been previously published as pathogenic or benign to our knowledge; Not observed at a significant frequency in large population cohorts (Lek et al., 2016)

Literature cited by the submitters: PubMed 27588451 (cited by Labcorp Genetics (formerly Invitae), Labcorp); PubMed 27588452 (cited by Labcorp Genetics (formerly Invitae), Labcorp); PubMed 32531858 (cited by Labcorp Genetics (formerly Invitae), Labcorp); PubMed 33879512 (cited by Labcorp Genetics (formerly Invitae), Labcorp); PubMed 34223797 (cited by Labcorp Genetics (formerly Invitae), Labcorp); PubMed 35240912 (cited by Labcorp Genetics (formerly Invitae), Labcorp); PubMed 37734845 (cited by Labcorp Genetics (formerly Invitae), Labcorp); PubMed 38780195 (cited by Labcorp Genetics (formerly Invitae), Labcorp).